The following is an entry in ClinVar:

ClinVar aggregate classification (germline): Uncertain significance (1 of 4 stars; one submission).

gnomAD v4.1: 5 of 1,612,174 alleles (0.00031%); highest among the groups gnomAD compares: Non-Finnish European, 0.00042%; no homozygotes.

Submission:

Labcorp Genetics (formerly Invitae), Labcorp
Classification: Uncertain significance. Last evaluated: 2022-08-19. Review status: criteria provided, single submitter. Criteria: Invitae Variant Classification Sherloc (09022015). Collection method: clinical testing. Allele origin: germline.
Comment: Algorithms developed to predict the effect of missense changes on protein structure and function are either unavailable or do not agree on the potential impact of this missense change (SIFT: "Deleterious"; PolyPhen-2: "Possibly Damaging"; Align-GVGD: "Class C15"). In summary, the available evidence is currently insufficient to determine the role of this variant in disease. Therefore, it has been classified as a Variant of Uncertain Significance. This variant has not been reported in the literature in individuals affected with WHRN-related conditions. This variant is present in population databases (no rsID available, gnomAD 0.002%). This sequence change replaces serine, which is neutral and polar, with cysteine, which is neutral and slightly polar, at codon 653 of the WHRN protein (p.Ser653Cys).

NM_015404.4(WHRN):c.1958C>G (p.Ser653Cys)

Gene: WHRN (whirlin; minus strand). Cytogenetic location: 9q32.
Variant type: single nucleotide variant.
Coding change: c.1958C>G on transcript NM_015404.4 (MANE Select); coding-DNA position 1958, C replaced by G.
Protein change: p.Ser653Cys; replaces serine 653 with cysteine.
Molecular consequence: missense variant.
Genome position (GRCh38, 1-based): chr9:114,406,633, G>C on the plus strand (C>G on the coding strand, the complement: WHRN is on the minus strand). VCF-style: chr9-114406633-G-C. GRCh37 (hg19) VCF-style: chr9-117168913-G-C.
Other names: c.809C>G, p.Ser270Cys (NM_001083885.3); c.1958C>G, p.Ser653Cys (NM_001173425.2); c.905C>G, p.Ser302Cys (NM_001346890.1); short protein forms S270C, S302C, S653C.
Identifiers: ClinVar variation 2069065 (VCV002069065.2), dbSNP rs1423837102, ClinGen allele CA374620579.